The following is an entry in ClinVar:

ClinVar aggregate classification (germline): Uncertain significance. Review status: criteria provided, multiple submitters, no conflicts (2 of 4 stars). 2 submissions from 2 submitters: Uncertain significance (2). Last evaluated 2025-10-11.

Conditions:
Familial thoracic aortic aneurysm and aortic dissection (TAAD). Also called: Thoracic aortic aneurysms and dissections. Identifiers: Orphanet 91387, MedGen C4707243, MONDO:0019625.

Submissions (2):

Ambry Genetics
Classification: Uncertain significance for Familial thoracic aortic aneurysm and aortic dissection. Last evaluated: 2025-10-11. Review status: criteria provided, single submitter. Criteria: Ambry Variant Classification Scheme 2023. Collection method: clinical testing. Allele origin: germline.
Comment: The p.D155N variant (also known as c.463G>A), located in coding exon 3 of the SMAD3 gene, results from a G to A substitution at nucleotide position 463. The aspartic acid at codon 155 is replaced by asparagine, an amino acid with highly similar properties. This amino acid position is conserved. In addition, the in silico prediction for this alteration is inconclusive. Based on the available evidence, the clinical significance of this variant remains unclear.

Labcorp Genetics (formerly Invitae), Labcorp
Classification: Uncertain significance for Familial thoracic aortic aneurysm and aortic dissection. Last evaluated: 2024-12-17. Review status: criteria provided, single submitter. Criteria: Invitae Variant Classification Sherloc (09022015). Collection method: clinical testing. Allele origin: germline.
Comment: This sequence change replaces aspartic acid, which is acidic and polar, with asparagine, which is neutral and polar, at codon 155 of the SMAD3 protein (p.Asp155Asn). This variant is not present in population databases (gnomAD no frequency). This variant has not been reported in the literature in individuals affected with SMAD3-related conditions. ClinVar contains an entry for this variant (Variation ID: 1943591). Invitae Evidence Modeling of protein sequence and biophysical properties (such as structural, functional, and spatial information, amino acid conservation, physicochemical variation, residue mobility, and thermodynamic stability) indicates that this missense variant is not expected to disrupt SMAD3 protein function with a negative predictive value of 80%. In summary, the available evidence is currently insufficient to determine the role of this variant in disease. Therefore, it has been classified as a Variant of Uncertain Significance.

NM_005902.4(SMAD3):c.463G>A (p.Asp155Asn)

Gene: SMAD3 (SMAD family member 3; plus strand). Cytogenetic location: 15q22.33.
Variant type: single nucleotide variant.
Coding change: c.463G>A on transcript NM_005902.4 (MANE Select); coding-DNA position 463, G replaced by A.
Protein change: p.Asp155Asn; replaces aspartic acid 155 with asparagine.
Molecular consequence: missense variant.
Genome position (GRCh38, 1-based): chr15:67,165,315, G>A. VCF-style: chr15-67165315-G-A. GRCh37 (hg19) VCF-style: chr15-67457653-G-A.
Other names: c.463G>A (NM_005902.3); c.148G>A, p.Asp50Asn (NM_001145102.2, NM_001407016.1); c.331G>A, p.Asp111Asn (NM_001145103.2); c.463G>A, p.Asp155Asn (NM_001407011.1, NM_001407013.1); c.316G>A, p.Asp106Asn (NM_001407014.1); short protein forms D111N, D155N, D50N, D106N.
Identifiers: ClinVar variation 1943591 (VCV001943591.6), dbSNP rs973219546, ClinGen allele CA272378613.
Genomic context (GRCh38, chr15:67,165,315, plus strand): 5'-CTACCTCCTGTGTTGGTGCCACGCCACACAGAGATCCCGGCCGAGTTCCCCCCACTGGAC[G>A]ACTACAGCCATTCCATCCCCGAAAACACTAACTTCCCCGCAGGCATCGAGCCCCAGAGCA-3'
Protein context (NP_005893.1, residues 145-165): EIPAEFPPLD[Asp155Asn]YSHSIPENTN